The following is an entry in ClinVar:

ClinVar aggregate classification (germline): Uncertain significance (1 of 4 stars; one submission).

gnomAD v4.1: 1 of 1,195,240 alleles (0.000084%); highest among the groups gnomAD compares: Admixed American, 0.0023%; no homozygotes.

Submission:

GeneDx
Classification: Uncertain significance. Last evaluated: 2025-05-19. Review status: criteria provided, single submitter. Criteria: GeneDx Variant Classification Process June 2021. Collection method: clinical testing. Allele origin: germline. Affected: yes.
Comment: Not observed at significant frequency in large population cohorts (gnomAD); In silico analysis suggests that this missense variant does not alter protein structure/function; Has not been previously published as pathogenic or benign to our knowledge

NM_001081550.2(THOC2):c.1438C>T (p.Leu480Phe)

Gene: THOC2 (THO complex subunit 2; minus strand). Cytogenetic location: Xq25.
Variant type: single nucleotide variant.
Coding change: c.1438C>T on transcript NM_001081550.2 (MANE Select); coding-DNA position 1438, C replaced by T.
Protein change: p.Leu480Phe; replaces leucine 480 with phenylalanine.
Molecular consequence: missense variant.
Genome position (GRCh38, 1-based): chrX:123,644,900, G>A on the plus strand (C>T on the coding strand, the complement: THOC2 is on the minus strand). VCF-style: chrX-123644900-G-A. GRCh37 (hg19) VCF-style: chrX-122778751-G-A.
Other names: c.1438C>T, p.Leu480Phe (NM_001441235.1, NM_001441236.1); short protein forms L480F.
Identifiers: ClinVar variation 4531058 (VCV004531058.1).
Genomic context (GRCh38, chrX:123,644,900, plus strand): 5'-AGTCCATCAAAGAAAGAGATGGAAGTAGTACCTGGTCAGTAATGCTAAGCAAACAGCTAA[G>A]GATAACTTCCTAAAAGAAAGAAGGAAAAGTTATTTCAGTAAGAGGTCTATATTAATATAA-3'
Protein context (NP_001075019.1, residues 470-490): QEDKEKTEVI[Leu480Phe]SCLLSITDQV